The following is an entry in ClinVar:

ClinVar aggregate classification (germline): Conflicting classifications of pathogenicity. Review status: criteria provided, conflicting classifications (1 of 4 stars). 3 submissions from 3 submitters: Uncertain significance (1); Likely benign (2). Last evaluated 2026-02-06.

Allele frequency attached by ClinVar (database versions not stated): gnomAD exomes 0.00005 and 0.00009; TOPMed 0.00006; gnomAD 0.00007; ExAC 0.00011.
gnomAD v4.1: 79 of 1,614,008 alleles (0.0049%); highest among the groups gnomAD compares: South Asian, 0.0066%; no homozygotes.

Submissions (3):

GeneDx
Classification: Uncertain significance. Last evaluated: 2026-02-06. Review status: criteria provided, single submitter. Criteria: GeneDx Variant Classification Process June 2021. Collection method: clinical testing. Allele origin: germline.
Comment: In silico analysis supports that this missense variant has a deleterious effect on protein structure/function; Has not been previously published as pathogenic or benign to our knowledge

Labcorp Genetics (formerly Invitae), Labcorp
Classification: Likely benign. Last evaluated: 2026-01-19. Review status: criteria provided, single submitter. Criteria: Invitae Variant Classification Sherloc (09022015). Collection method: clinical testing. Allele origin: germline.

Blueprint Genetics
Classification: Likely benign. Last evaluated: 2022-09-02. Review status: criteria provided, single submitter. Criteria: ACMG Guidelines, 2015. Collection method: clinical testing. Allele origin: germline.

NM_004525.3(LRP2):c.8882C>T (p.Pro2961Leu)

Gene: LRP2 (LDL receptor related protein 2; minus strand). Cytogenetic location: 2q31.1.
Variant type: single nucleotide variant.
Coding change: c.8882C>T on transcript NM_004525.3 (MANE Select); coding-DNA position 8882, C replaced by T.
Protein change: p.Pro2961Leu; replaces proline 2961 with leucine.
Molecular consequence: missense variant.
Genome position (GRCh38, 1-based): chr2:169,191,982, G>A on the plus strand (C>T on the coding strand, the complement: LRP2 is on the minus strand). VCF-style: chr2-169191982-G-A. GRCh37 (hg19) VCF-style: chr2-170048492-G-A.
Other names: c.8882C>T (NM_004525.2); short protein forms P2961L.
Identifiers: ClinVar variation 1645027 (VCV001645027.11), dbSNP rs780122177, ClinGen allele CA1953725.